The following is an entry in ClinVar:

NM_007227.3(GPR45):c.87G>A (p.Leu29=)

Gene: GPR45 (G protein-coupled receptor 45; plus strand). Cytogenetic location: 2q12.1.
Variant type: single nucleotide variant.
Coding change: c.87G>A on transcript NM_007227.3 (MANE Select); coding-DNA position 87, G replaced by A.
Protein change: p.Leu29=; no amino-acid change (leucine 29 retained).
Molecular consequence: synonymous variant.
Genome position (GRCh38, 1-based): chr2:105,241,945, G>A. VCF-style: chr2-105241945-G-A. GRCh37 (hg19) VCF-style: chr2-105858402-G-A.
Identifiers: ClinVar variation 3653955 (VCV003653955.2).

ClinVar aggregate classification (germline): Uncertain significance (1 of 4 stars; one submission).

gnomAD v4.1: 9 of 1,612,766 alleles (0.00056%); highest among the groups gnomAD compares: Admixed American, 0.015%; no homozygotes.

Submission:

Labcorp Genetics (formerly Invitae), Labcorp
Classification: Uncertain significance. Last evaluated: 2024-07-24. Review status: criteria provided, single submitter. Criteria: Invitae Variant Classification Sherloc (09022015). Collection method: clinical testing. Allele origin: germline.
Comment: This sequence change affects codon 29 of the GPR45 mRNA. It is a 'silent' change, meaning that it does not change the encoded amino acid sequence of the GPR45 protein. This variant is present in population databases (rs758531500, gnomAD 0.02%). This variant has not been reported in the literature in individuals affected with GPR45-related conditions. In summary, the available evidence is currently insufficient to determine the role of this variant in disease. Therefore, it has been classified as a Variant of Uncertain Significance.